The following is an entry in ClinVar:

NM_172364.5(CACNA2D4):c.2296C>A (p.Leu766Ile)

Gene: CACNA2D4 (calcium voltage-gated channel auxiliary subunit alpha2delta 4; minus strand). Cytogenetic location: 12p13.33.
Variant type: single nucleotide variant.
Coding change: c.2296C>A on transcript NM_172364.5 (MANE Select); coding-DNA position 2296, C replaced by A.
Protein change: p.Leu766Ile; replaces leucine 766 with isoleucine.
Molecular consequence: missense variant.
Genome position (GRCh38, 1-based): chr12:1,846,640, G>T on the plus strand (C>A on the coding strand, the complement: CACNA2D4 is on the minus strand). VCF-style: chr12-1846640-G-T. GRCh37 (hg19) VCF-style: chr12-1955806-G-T.
Other names: short protein forms L766I.
Identifiers: ClinVar variation 856980 (VCV000856980.10), dbSNP rs770104096, ClinGen allele CA6386752.
Genomic context (GRCh38, chr12:1,846,640, plus strand): 5'-CCGGCCCAACCCACCTGTCGGAGACCTTCTCGGAGCCCACGAACAAGCTGCTTCTCAGGA[G>T]GCCAGCCCGGGTGCCCAGGAAGGCCATGTCCACCACGTGTTCAGACTCCCTGTGTGGCAG-3'
Protein context (NP_758952.4, residues 756-776): DMAFLGTRAG[Leu766Ile]LRSSLFVGSE

ClinVar aggregate classification (germline): Uncertain significance. Review status: criteria provided, multiple submitters, no conflicts (2 of 4 stars). 2 submissions from 2 submitters: Uncertain significance (2). Last evaluated 2019-12-08.

Allele frequency attached by ClinVar (database versions not stated): ExAC 0.00003; TOPMed 0.00004.
gnomAD v4.1: 14 of 1,604,670 alleles (0.00087%); highest among the groups gnomAD compares: East Asian, 0.0022%; no homozygotes.

Submissions (2):

Labcorp Genetics (formerly Invitae), Labcorp
Classification: Uncertain significance. Last evaluated: 2019-12-08. Review status: criteria provided, single submitter. Criteria: Invitae Variant Classification Sherloc (09022015). Collection method: clinical testing. Allele origin: germline.
Comment: This sequence change replaces leucine with isoleucine at codon 766 of the CACNA2D4 protein (p.Leu766Ile). The leucine residue is moderately conserved and there is a small physicochemical difference between leucine and isoleucine. This variant is present in population databases (rs770104096, ExAC 0.005%). In summary, the available evidence is currently insufficient to determine the role of this variant in disease. Therefore, it has been classified as a Variant of Uncertain Significance. Algorithms developed to predict the effect of missense changes on protein structure and function are either unavailable or do not agree on the potential impact of this missense change (SIFT: "Tolerated"; PolyPhen-2: "Possibly Damaging"; Align-GVGD: "Class C0"). This variant has not been reported in the literature in individuals with CACNA2D4-related conditions.

Blueprint Genetics
Classification: Uncertain significance. Last evaluated: 2018-12-21. Review status: criteria provided, single submitter. Criteria: ACMG Guidelines, 2015. Collection method: clinical testing. Allele origin: germline.